The following is an entry in ClinVar:

NM_004006.3(DMD):c.9073A>C (p.Lys3025Gln)

Gene: DMD (dystrophin; minus strand). Cytogenetic location: Xp21.2.
Variant type: single nucleotide variant.
Coding change: c.9073A>C on transcript NM_004006.3 (MANE Select); coding-DNA position 9073, A replaced by C.
Protein change: p.Lys3025Gln; replaces lysine 3025 with glutamine.
Molecular consequence: missense variant.
Genome position (GRCh38, 1-based): chrX:31,444,492, T>G on the plus strand (A>C on the coding strand, the complement: DMD is on the minus strand). VCF-style: chrX-31444492-T-G. GRCh37 (hg19) VCF-style: chrX-31462609-T-G.
Other names: c.9049A>C, p.Lys3017Gln (NM_000109.4); c.9061A>C, p.Lys3021Gln (NM_004009.3); c.8704A>C, p.Lys2902Gln (NM_004010.3); c.5050A>C, p.Lys1684Gln (NM_004011.4); c.5041A>C, p.Lys1681Gln (NM_004012.4); c.1693A>C, p.Lys565Gln (NM_004013.3, NM_004020.4, NM_004021.3 and 2 more transcripts); c.886A>C, p.Lys296Gln (NM_004014.3); short protein forms K1684Q, K2902Q, K3017Q, K565Q, K296Q, K3021Q, K1681Q, K3025Q.
Identifiers: ClinVar variation 946837 (VCV000946837.9), dbSNP rs745982132, ClinGen allele CA10377931.

ClinVar aggregate classification (germline): Uncertain significance. Review status: criteria provided, single submitter (1 of 4 stars). 2 submissions from 2 submitters: Uncertain significance (1). 1 of the submissions does not count toward it. Last evaluated 2023-10-25.

Conditions:
Duchenne muscular dystrophy (DMD). Also called: Duchenne Muscular Dystrophy (DMD); MUSCULAR DYSTROPHY, PSEUDOHYPERTROPHIC PROGRESSIVE, DUCHENNE TYPE. Identifiers: Orphanet 98896, MedGen C0013264, MONDO:0010679, OMIM 310200.
Cardiomyopathy (CMYO). Also called: Cardiomyopathies. Identifiers: Orphanet 167848, MedGen C0878544, MONDO:0004994, HP:0001638. Inheritance: Various modes of inheritance.
Dystrophin deficiency.
Becker muscular dystrophy (BMD). Also called: MUSCULAR DYSTROPHY, PSEUDOHYPERTROPHIC PROGRESSIVE, BECKER TYPE; Becker Muscular Dystrophy (BMD). Identifiers: Orphanet 98895, MedGen C0917713, MONDO:0010311, OMIM 300376.

Allele frequency attached by ClinVar (database versions not stated): gnomAD exomes below 0.00001 and 0.00001; ExAC 0.00001; gnomAD 0.00003.
gnomAD v4.1: 4 of 1,210,015 alleles (0.00033%); highest among the groups gnomAD compares: Non-Finnish European, 0.00045%; no homozygotes.

Submissions (2):

Labcorp Genetics (formerly Invitae), Labcorp
Classification: Uncertain significance for Duchenne muscular dystrophy. Last evaluated: 2023-10-25. Review status: criteria provided, single submitter. Criteria: Invitae Variant Classification Sherloc (09022015). Collection method: clinical testing. Allele origin: germline.
Comment: This sequence change replaces lysine, which is basic and polar, with glutamine, which is neutral and polar, at codon 3025 of the DMD protein (p.Lys3025Gln). This variant is present in population databases (rs745982132, gnomAD 0.003%). This variant has not been reported in the literature in individuals affected with DMD-related conditions. ClinVar contains an entry for this variant (Variation ID: 946837). Advanced modeling of protein sequence and biophysical properties (such as structural, functional, and spatial information, amino acid conservation, physicochemical variation, residue mobility, and thermodynamic stability) performed at Invitae indicates that this missense variant is not expected to disrupt DMD protein function with a negative predictive value of 95%. In summary, the available evidence is currently insufficient to determine the role of this variant in disease. Therefore, it has been classified as a Variant of Uncertain Significance.

Natera, Inc.
Classification: Uncertain significance for Becker muscular dystrophy; Cardiomyopathy; Duchenne muscular dystrophy; Dystrophin deficiency. Last evaluated: 2018-07-21. Review status: no assertion criteria provided. Collection method: clinical testing. Allele origin: germline. Not counted in ClinVar's aggregate classification.